The following is an entry in ClinVar:

ClinVar aggregate classification (germline): Uncertain significance (1 of 4 stars; one submission).

Conditions:
Combined immunodeficiency due to LRBA deficiency. Also called: Common variable immunodeficiency 8, with autoimmunity. Identifiers: Orphanet 445018, MedGen C3553512, MONDO:0013863, OMIM 614700.

Allele frequency attached by ClinVar (database versions not stated): gnomAD exomes below 0.00001; gnomAD 0.00001; TOPMed 0.00001.
gnomAD v4.1: 7 of 1,609,460 alleles (0.00043%); highest among the groups gnomAD compares: Non-Finnish European, 0.00042%; no homozygotes.

Submission:

Labcorp Genetics (formerly Invitae), Labcorp
Classification: Uncertain significance for Combined immunodeficiency due to LRBA deficiency. Last evaluated: 2024-02-24. Review status: criteria provided, single submitter. Criteria: Invitae Variant Classification Sherloc (09022015). Collection method: clinical testing. Allele origin: germline.
Comment: This sequence change replaces arginine, which is basic and polar, with cysteine, which is neutral and slightly polar, at codon 2144 of the LRBA protein (p.Arg2144Cys). This variant is not present in population databases (gnomAD no frequency). This variant has not been reported in the literature in individuals affected with LRBA-related conditions. ClinVar contains an entry for this variant (Variation ID: 1990661). Advanced modeling of protein sequence and biophysical properties (such as structural, functional, and spatial information, amino acid conservation, physicochemical variation, residue mobility, and thermodynamic stability) has been performed at Invitae for this missense variant, however the output from this modeling did not meet the statistical confidence thresholds required to predict the impact of this variant on LRBA protein function. In summary, the available evidence is currently insufficient to determine the role of this variant in disease. Therefore, it has been classified as a Variant of Uncertain Significance.

NM_001364905.1(LRBA):c.6397C>T (p.Arg2133Cys)

Gene: LRBA (LPS responsive beige-like anchor protein; minus strand). Cytogenetic location: 4q31.3.
Variant type: single nucleotide variant.
Coding change: c.6397C>T on transcript NM_001364905.1 (MANE Select); coding-DNA position 6397, C replaced by T.
Protein change: p.Arg2133Cys; replaces arginine 2133 with cysteine.
Molecular consequence: missense variant.
Genome position (GRCh38, 1-based): chr4:150,490,969, G>A on the plus strand (C>T on the coding strand, the complement: LRBA is on the minus strand). VCF-style: chr4-150490969-G-A. GRCh37 (hg19) VCF-style: chr4-151412121-G-A.
Other names: c.6397C>T, p.Arg2133Cys (NM_001199282.3, NM_001367550.1); c.6430C>T, p.Arg2144Cys (NM_006726.5); short protein forms R2133C, R2144C.
Identifiers: ClinVar variation 1990661 (VCV001990661.4), dbSNP rs933140899, ClinGen allele CA108361611.